The following is an entry in ClinVar:

NM_020911.2(PLXNA4):c.3923A>G (p.Asp1308Gly)

Gene: PLXNA4 (plexin A4; minus strand). Cytogenetic location: 7q32.3.
Variant type: single nucleotide variant.
Coding change: c.3923A>G on transcript NM_020911.2 (MANE Select); coding-DNA position 3923, A replaced by G.
Protein change: p.Asp1308Gly; replaces aspartic acid 1308 with glycine.
Molecular consequence: missense variant.
Genome position (GRCh38, 1-based): chr7:132,174,872, T>C on the plus strand (A>G on the coding strand, the complement: PLXNA4 is on the minus strand). VCF-style: chr7-132174872-T-C. GRCh37 (hg19) VCF-style: chr7-131859631-T-C.
Other names: c.3923A>G, p.Asp1308Gly (NM_001393897.1); short protein forms D1308G.
Identifiers: ClinVar variation 3356052 (VCV003356052.1).

ClinVar aggregate classification (germline): Likely benign (0 of 4 stars; one submission).

Conditions:
PLXNA4-related disorder. Also called: PLXNA4-related condition.

gnomAD v4.1: 252 of 1,614,192 alleles (0.016%); highest among the groups gnomAD compares: South Asian, 0.27%; 3 homozygotes.

Submission:

PreventionGenetics, part of Exact Sciences
Classification: Likely benign for PLXNA4-related condition. Last evaluated: 2022-05-24. Review status: no assertion criteria provided. Collection method: clinical testing. Allele origin: germline.
Comment: This variant is classified as likely benign based on ACMG/AMP sequence variant interpretation guidelines (Richards et al. 2015 PMID: 25741868, with internal and published modifications).